The following is an entry in ClinVar:

ClinVar aggregate classification (germline): Uncertain significance (1 of 4 stars; one submission).

Submission:

Labcorp Genetics (formerly Invitae), Labcorp
Classification: Uncertain significance. Last evaluated: 2023-07-12. Review status: criteria provided, single submitter. Criteria: Invitae Variant Classification Sherloc (09022015). Collection method: clinical testing. Allele origin: germline.
Comment: This sequence change creates a premature translational stop signal (p.Pro260Argfs*21) in the RNF43 gene. It is expected to result in an absent or disrupted protein product. However, the current clinical and genetic evidence is not sufficient to establish whether loss-of-function variants in RNF43 cause disease. In summary, the available evidence is currently insufficient to determine the role of this variant in disease. Therefore, it has been classified as a Variant of Uncertain Significance. This variant has not been reported in the literature in individuals affected with RNF43-related conditions. This variant is not present in population databases (gnomAD no frequency).

NM_017763.6(RNF43):c.778_779del (p.Pro260fs)

Gene: RNF43 (ring finger protein 43; minus strand). Cytogenetic location: 17q22.
Variant type: Deletion.
Coding change: c.778_779del on transcript NM_017763.6 (MANE Select); coding-DNA positions 778 to 779, 2 bases deleted (CC; older notation c.778_779delCC).
Protein change: p.Pro260fs; shifts the reading frame from proline 260.
Molecular consequence: frameshift variant.
Genome position (GRCh38, 1-based): chr17:58,360,853-58,360,854, GG deleted on the plus strand (CC on the coding strand, the reverse complement: RNF43 is on the minus strand). VCF-style (leftmost placement, unchanged base first): chr17-58360852-TGG-T. GRCh37 (hg19) VCF-style: chr17-56438213-TGG-T.
Other names: c.778_779delCC, p.Pro260Argfs (NM_001305544.3); c.397_398delCC, p.Pro133Argfs (NM_001305545.2); short protein forms P260fs, P133fs.
Identifiers: ClinVar variation 2742641 (VCV002742641.3), dbSNP rs2509358630, ClinGen allele CA2697560253.
Genomic context (GRCh38, chr17:58,360,852, plus strand): 5'-AGAGAACTCCTCCAGACAGATGGCACACACAGGGGCTGAGCTGCAGCTGCTCCCTGAGTC[TGG>T]CCACTCACCCCGGGCCTGCCTGCAGCTGGCCTGGTACCTCCTGGTGGCCAGCTGGCTGAT-3'